The following is an entry in ClinVar:

ClinVar aggregate classification (germline): Uncertain significance (1 of 4 stars; one submission).

Allele frequency attached by ClinVar (database versions not stated): gnomAD exomes below 0.00001; TOPMed below 0.00001; gnomAD 0.00001.
gnomAD v4.1: 3 of 1,613,552 alleles (0.00019%); highest among the groups gnomAD compares: Admixed American, 0.005%; no homozygotes.

Submission:

GeneDx
Classification: Uncertain significance. Last evaluated: 2024-08-19. Review status: criteria provided, single submitter. Criteria: GeneDx Variant Classification Process June 2021. Collection method: clinical testing. Allele origin: germline. Affected: yes.
Comment: Not observed at significant frequency in large population cohorts (gnomAD); In silico analysis indicates that this missense variant does not alter protein structure/function; Has not been previously published as pathogenic or benign to our knowledge

NM_144991.3(TSPEAR):c.1804G>A (p.Val602Met)

Gene: TSPEAR (thrombospondin type laminin G domain and EAR repeats; minus strand). Cytogenetic location: 21q22.3.
Variant type: single nucleotide variant.
Coding change: c.1804G>A on transcript NM_144991.3 (MANE Select); coding-DNA position 1804, G replaced by A.
Protein change: p.Val602Met; replaces valine 602 with methionine.
Molecular consequence: missense variant.
Genome position (GRCh38, 1-based): chr21:44,504,832, C>T on the plus strand (G>A on the coding strand, the complement: TSPEAR is on the minus strand). VCF-style: chr21-44504832-C-T. GRCh37 (hg19) VCF-style: chr21-45924715-C-T.
Other names: c.1600G>A, p.Val534Met (NM_001272037.2); short protein forms V534M, V602M.
Identifiers: ClinVar variation 2501565 (VCV002501565.2), dbSNP rs1555911677, ClinGen allele CA410430001.